The following is an entry in ClinVar:

NM_001830.4(CLCN4):c.1820C>T (p.Pro607Leu)

Gene: CLCN4 (Cl-/H+ antiporter 4; plus strand). Cytogenetic location: Xp22.2.
Variant type: single nucleotide variant.
Coding change: c.1820C>T on transcript NM_001830.4 (MANE Select); coding-DNA position 1820, C replaced by T.
Protein change: p.Pro607Leu; replaces proline 607 with leucine.
Molecular consequence: missense variant.
Genome position (GRCh38, 1-based): chrX:10,213,924, C>T. VCF-style: chrX-10213924-C-T. GRCh37 (hg19) VCF-style: chrX-10181964-C-T.
Other names: c.1820C>T (NM_001830.3); c.1538C>T, p.Pro513Leu (NM_001256944.2); short protein forms P513L, P607L.
Identifiers: ClinVar variation 1360558 (VCV001360558.11), dbSNP rs1042357480, ClinGen allele CA326601336.
Genomic context (GRCh38, chrX:10,213,924, plus strand): 5'-AGGACGAGTTTACTCACCGCACACTGGCCACCGACGTCATGCGGCCCCGGCGGGGAGAGC[C>T]GCCACTGTCGGTGCTCACCCAGGACAGCATGACTGTCGAGGACGTGGAGACGCTCATCAA-3'
Protein context (NP_001821.2, residues 597-617): TDVMRPRRGE[Pro607Leu]PLSVLTQDSM

ClinVar aggregate classification (germline): Conflicting classifications of pathogenicity. Review status: criteria provided, conflicting classifications (1 of 4 stars). 3 submissions from 3 submitters: Uncertain significance (2); Likely benign (1). Last evaluated 2025-04-17.

Conditions:
Inborn genetic diseases. Identifiers: MedGen C0950123, MeSH D030342.
Intellectual disability, X-linked 49 (MRXSRC). Also called: MENTAL RETARDATION, X-LINKED 15; CLCN4-Related Neurodevelopmental Disorder; MRX49; CLCN4-related X-linked intellectual disability syndrome; RAYNAUD-CLAES SYNDROME. Identifiers: Orphanet 485350, Orphanet 777, MedGen C0796221, MONDO:0010250, OMIM 300114.

Allele frequency attached by ClinVar (database versions not stated): gnomAD 0.00002 and 0.00003.
gnomAD v4.1: 29 of 1,210,659 alleles (0.0024%); highest among the groups gnomAD compares: East Asian, 0.003%; no homozygotes.

Submissions (3):

Labcorp Genetics (formerly Invitae), Labcorp
Classification: Uncertain significance. Last evaluated: 2025-04-17. Review status: criteria provided, single submitter. Criteria: Invitae Variant Classification Sherloc (09022015). Collection method: clinical testing. Allele origin: germline.
Comment: This sequence change replaces proline, which is neutral and non-polar, with leucine, which is neutral and non-polar, at codon 607 of the CLCN4 protein (p.Pro607Leu). This variant is present in population databases (no rsID available, gnomAD 0.02%), including at least one homozygous and/or hemizygous individual. This variant has not been reported in the literature in individuals affected with CLCN4-related conditions. ClinVar contains an entry for this variant (Variation ID: 1360558). Invitae Evidence Modeling of protein sequence and biophysical properties (such as structural, functional, and spatial information, amino acid conservation, physicochemical variation, residue mobility, and thermodynamic stability) has been performed for this missense variant. However, the output from this modeling did not meet the statistical confidence thresholds required to predict the impact of this variant on CLCN4 protein function. In summary, the available evidence is currently insufficient to determine the role of this variant in disease. Therefore, it has been classified as a Variant of Uncertain Significance.

Ambry Genetics
Classification: Likely benign for Inborn genetic diseases. Last evaluated: 2025-01-22. Review status: criteria provided, single submitter. Criteria: Ambry Variant Classification Scheme 2023. Collection method: clinical testing. Allele origin: germline.

Revvity Omics, Revvity
Classification: Uncertain significance for Intellectual disability, X-linked 49. Last evaluated: 2021-04-21. Review status: criteria provided, single submitter. Criteria: ACMG Guidelines, 2015. Collection method: clinical testing. Allele origin: germline.